The following is an entry in ClinVar:

ClinVar aggregate classification (germline): Uncertain significance (1 of 4 stars; one submission).

gnomAD v4.1: 3 of 817,354 alleles (0.00037%); highest among the groups gnomAD compares: Non-Finnish European, 0.00057%; no homozygotes.

Submission:

Ambry Genetics
Classification: Uncertain significance. Last evaluated: 2025-04-11. Review status: criteria provided, single submitter. Criteria: Ambry Variant Classification Scheme 2023. Collection method: clinical testing. Allele origin: germline.
Comment: The p.A2172V variant (also known as c.6515C>T), located in coding exon 27 of the WNK2 gene, results from a C to T substitution at nucleotide position 6515. The alanine at codon 2172 is replaced by valine, an amino acid with similar properties. This amino acid position is conserved. In addition, this alteration is predicted to be tolerated by in silico analysis. Based on the available evidence, the clinical significance of this variant remains unclear.

NM_006648.4(WNK2):c.6515C>T (p.Ala2172Val)

Gene: WNK2 (WNK lysine deficient protein kinase 2; plus strand). Cytogenetic location: 9q22.31.
Variant type: single nucleotide variant.
Coding change: c.6515C>T on transcript NM_006648.4 (MANE Select); coding-DNA position 6515, C replaced by T.
Protein change: p.Ala2172Val; replaces alanine 2172 with valine.
Molecular consequence: missense variant.
Genome position (GRCh38, 1-based): chr9:93,308,583, C>T. VCF-style: chr9-93308583-C-T. GRCh37 (hg19) VCF-style: chr9-96070865-C-T.
Other names: c.6626C>T, p.Ala2209Val (NM_001282394.3); short protein forms A2172V, A2209V.
Identifiers: ClinVar variation 3981852 (VCV003981852.1).